The following is an entry in ClinVar:

NM_002202.3(ISL1):c.71T>C (p.Ile24Thr)

Gene: ISL1 (ISL LIM homeobox 1; plus strand). Cytogenetic location: 5q11.1.
Variant type: single nucleotide variant.
Coding change: c.71T>C on transcript NM_002202.3 (MANE Select); coding-DNA position 71, T replaced by C.
Protein change: p.Ile24Thr; replaces isoleucine 24 with threonine.
Molecular consequence: missense variant.
Genome position (GRCh38, 1-based): chr5:51,384,583, T>C. VCF-style: chr5-51384583-T-C. GRCh37 (hg19) VCF-style: chr5-50680417-T-C.
Other names: short protein forms I24T.
Identifiers: ClinVar variation 5036944 (VCV005036944.1).
Genomic context (GRCh38, chr5:51,384,583, plus strand): 5'-TATTTATTTTCATTTCAGAAAAACGTCTGATTTCCCTATGTGTTGGTTGCGGCAATCAGA[T>C]TCACGATCAGTATATTCTGAGGGTTTCTCCGGATTTGGAATGGCATGCGGCATGTTTGAA-3'
Protein context (NP_002193.2, residues 14-34): ISLCVGCGNQ[Ile24Thr]HDQYILRVSP

ClinVar aggregate classification (germline): Uncertain significance (1 of 4 stars; one submission).

Submission:

GeneDx
Classification: Uncertain significance. Last evaluated: 2026-04-14. Review status: criteria provided, single submitter. Criteria: GeneDx Variant Classification Process June 2021. Collection method: clinical testing. Allele origin: germline.
Comment: Not observed at significant frequency in large population cohorts (gnomAD); In silico analysis supports that this missense variant has a deleterious effect on protein structure/function; Has not been previously published as pathogenic or benign to our knowledge